The following is an entry in ClinVar:

ClinVar aggregate classification (germline): Uncertain significance (1 of 4 stars; one submission).

Conditions:
Epidermolysis bullosa simplex 3, localized or generalized intermediate, with BP230 deficiency (EBS3). Also called: Epidermolysis bullosa simplex, autosomal recessive 2; Epidermolysis bullosa simplex due to BP230 deficiency. Identifiers: Orphanet 412181, MedGen C3809470, MONDO:0014180, OMIM 615425.
Hereditary sensory and autonomic neuropathy type 6. Also called: Neuropathy, hereditary sensory and autonomic, type VI; HSAN VI. Identifiers: Orphanet 314381, MedGen C3539003, MONDO:0013839, OMIM 614653.

Allele frequency attached by ClinVar (database versions not stated): TOPMed below 0.00001.
gnomAD v4.1: 8 of 1,614,002 alleles (0.0005%); highest among the groups gnomAD compares: East Asian, 0.0045%; no homozygotes.

Submission:

Labcorp Genetics (formerly Invitae), Labcorp
Classification: Uncertain significance for Epidermolysis bullosa simplex 3, localized or generalized intermediate, with BP230 deficiency; Hereditary sensory and autonomic neuropathy type 6. Last evaluated: 2022-07-12. Review status: criteria provided, single submitter. Criteria: Invitae Variant Classification Sherloc (09022015). Collection method: clinical testing. Allele origin: germline.
Comment: This sequence change replaces histidine, which is basic and polar, with arginine, which is basic and polar, at codon 1116 of the DST protein (p.His1116Arg). This variant is not present in population databases (gnomAD no frequency). This variant has not been reported in the literature in individuals affected with DST-related conditions. ClinVar contains an entry for this variant (Variation ID: 972175). Algorithms developed to predict the effect of missense changes on protein structure and function (SIFT, PolyPhen-2, Align-GVGD) all suggest that this variant is likely to be tolerated. In summary, the available evidence is currently insufficient to determine the role of this variant in disease. Therefore, it has been classified as a Variant of Uncertain Significance.

NM_001723.7(DST):c.3347A>G (p.His1116Arg)

Gene: DST (dystonin; minus strand). Cytogenetic location: 6p12.1.
Variant type: single nucleotide variant.
Coding change: c.3347A>G on transcript NM_001723.7 (MANE Plus Clinical); coding-DNA position 3347, A replaced by G.
Protein change: p.His1116Arg; replaces histidine 1116 with arginine.
Molecular consequence: missense variant. On other transcripts: intron variant (10).
Genome position (GRCh38, 1-based): chr6:56,620,687, T>C on the plus strand (A>G on the coding strand, the complement: DST is on the minus strand). VCF-style: chr6-56620687-T-C. GRCh37 (hg19) VCF-style: chr6-56485485-T-C.
Other names: c.4830+3843A>G (NM_001144769.5); c.4929+3843A>G (NM_001374722.1, NM_001374736.1); c.4956+3843A>G (NM_001374734.1); c.4416+3843A>G (NM_001144770.2); c.4296+3843A>G (NM_001374730.1, NM_001386100.1, NM_183380.4 and 1 more transcripts); c.3318+3843A>G (NM_015548.5); short protein forms H1116R.
Identifiers: ClinVar variation 972175 (VCV000972175.10), dbSNP rs1281408978, ClinGen allele CA364572107.
Genomic context (GRCh38, chr6:56,620,687, plus strand): 5'-AGTTTGCTATTCTCAAGCACTGTTGCCTTCTGACGCTGAAGCAGATCTGAATATGCCCCA[T>C]GTTCAGAAGTCTCCTTACACCTTTTAATCTACAAAAGACATTTTGAAAGTGTCAAGCCTG-3'
Protein context (NP_001714.1, residues 1106-1126): EIKRCKETSE[His1116Arg]GAYSDLLQRQ